The following is an entry in ClinVar:

ClinVar aggregate classification (germline): Uncertain significance. Review status: criteria provided, multiple submitters, no conflicts (2 of 4 stars). 2 submissions from 2 submitters: Uncertain significance (2). Last evaluated 2026-04-06.

Allele frequency attached by ClinVar (database versions not stated): gnomAD exomes below 0.00001; ExAC 0.00001.

Submissions (2):

Ambry Genetics
Classification: Uncertain significance. Last evaluated: 2026-04-06. Review status: criteria provided, single submitter. Criteria: Ambry Variant Classification Scheme 2023. Collection method: clinical testing. Allele origin: germline.
Comment: The p.A33T variant (also known as c.97G>A), located in coding exon 1 of the RNF43 gene, results from a G to A substitution at nucleotide position 97. The alanine at codon 33 is replaced by threonine, an amino acid with similar properties. This amino acid position is highly conserved in available vertebrate species. In addition, this alteration is predicted to be tolerated by in silico analysis. The evidence for this gene-disease relationship is limited; therefore, the clinical significance of this variant is unclear.

Labcorp Genetics (formerly Invitae), Labcorp
Classification: Uncertain significance. Last evaluated: 2021-11-19. Review status: criteria provided, single submitter. Criteria: Invitae Variant Classification Sherloc (09022015). Collection method: clinical testing. Allele origin: germline.
Comment: In summary, the available evidence is currently insufficient to determine the role of this variant in disease. Therefore, it has been classified as a Variant of Uncertain Significance. Algorithms developed to predict the effect of missense changes on protein structure and function are either unavailable or do not agree on the potential impact of this missense change (SIFT: "Tolerated"; PolyPhen-2: "Possibly Damaging"; Align-GVGD: "Class C0"). This variant has not been reported in the literature in individuals affected with RNF43-related conditions. This variant is present in population databases (rs772679735, gnomAD 0.003%). This sequence change replaces alanine, which is neutral and non-polar, with threonine, which is neutral and polar, at codon 33 of the RNF43 protein (p.Ala33Thr).

NM_017763.6(RNF43):c.97G>A (p.Ala33Thr)

Gene: RNF43 (ring finger protein 43; minus strand). Cytogenetic location: 17q22.
Variant type: single nucleotide variant.
Coding change: c.97G>A on transcript NM_017763.6 (MANE Select); coding-DNA position 97, G replaced by A.
Protein change: p.Ala33Thr; replaces alanine 33 with threonine.
Molecular consequence: missense variant.
Genome position (GRCh38, 1-based): chr17:58,415,481, C>T on the plus strand (G>A on the coding strand, the complement: RNF43 is on the minus strand). VCF-style: chr17-58415481-C-T. GRCh37 (hg19) VCF-style: chr17-56492842-C-T.
Other names: c.97G>A, p.Ala33Thr (NM_001305544.3); c.97G>A (NM_017763.4); short protein forms A33T.
Identifiers: ClinVar variation 1381960 (VCV001381960.7), dbSNP rs772679735, ClinGen allele CA8673512.